The following is an entry in ClinVar:

ClinVar aggregate classification (germline): Conflicting classifications of pathogenicity. Review status: criteria provided, conflicting classifications (1 of 4 stars). 2 submissions from 2 submitters: Uncertain significance (1); Likely benign (1). Last evaluated 2025-03-20.

Conditions:
SEMA3E-related disorder. Also called: SEMA3E-related condition.
CHARGE syndrome (CHARGE). Also called: Hittner Hirsch Kreh syndrome; CHARGE ASSOCIATION--COLOBOMA, HEART ANOMALY, CHOANAL ATRESIA, RETARDATION, GENITAL AND EAR ANOMALIES; Coloboma, heart anomaly, choanal atresia, retardation, genital and ear anomalies; CHARGE association; Hall-Hittner syndrome. Identifiers: Orphanet 138, MedGen C0265354, MONDO:0008965.

gnomAD v4.1: 1 of 1,612,768 alleles (0.000062%); highest among the groups gnomAD compares: African/African-American, 0.0013%; no homozygotes.

Submissions (2):

PreventionGenetics, part of Exact Sciences
Classification: Likely benign for SEMA3E-related condition. Last evaluated: 2025-03-20. Review status: criteria provided, single submitter. Criteria: ACMG Guidelines, 2015. Collection method: clinical testing. Allele origin: germline.
Comment: This variant is classified as likely benign based on ACMG/AMP sequence variant interpretation guidelines (Richards et al. 2015 PMID: 25741868, with internal and published modifications).

Labcorp Genetics (formerly Invitae), Labcorp
Classification: Uncertain significance for CHARGE syndrome. Last evaluated: 2019-04-23. Review status: criteria provided, single submitter. Criteria: Invitae Variant Classification Sherloc (09022015). Collection method: clinical testing. Allele origin: germline.
Comment: This sequence change affects codon 500 of the SEMA3E mRNA. It is a 'silent' change, meaning that it does not change the encoded amino acid sequence of the SEMA3E protein. This variant also falls at the last nucleotide of exon 13 of the SEMA3E coding sequence, which is part of the consensus splice site for this exon. This variant is not present in population databases (ExAC no frequency). This variant has not been reported in the literature in individuals with SEMA3E-related conditions. Nucleotide substitutions within the consensus splice site are a relatively common cause of aberrant splicing (PMID: 17576681, 9536098). Algorithms developed to predict the effect of sequence changes on RNA splicing suggest that this variant is not likely to affect RNA splicing, but this prediction has not been confirmed by published transcriptional studies. In summary, the available evidence is currently insufficient to determine the role of this variant in disease. Therefore, it has been classified as a Variant of Uncertain Significance.

Literature cited by the submitters: PubMed 17576681 (cited by Labcorp Genetics (formerly Invitae), Labcorp); PubMed 9536098 (cited by Labcorp Genetics (formerly Invitae), Labcorp).

NM_012431.3(SEMA3E):c.1500G>A (p.Arg500=)

Gene: SEMA3E (semaphorin 3E; minus strand). Cytogenetic location: 7q21.11.
Variant type: single nucleotide variant.
Coding change: c.1500G>A on transcript NM_012431.3 (MANE Select); coding-DNA position 1500, G replaced by A.
Protein change: p.Arg500=; no amino-acid change (arginine 500 retained).
Molecular consequence: synonymous variant.
Genome position (GRCh38, 1-based): chr7:83,394,297, C>T on the plus strand (G>A on the coding strand, the complement: SEMA3E is on the minus strand). VCF-style: chr7-83394297-C-T. GRCh37 (hg19) VCF-style: chr7-83023613-C-T.
Other names: c.1320G>A, p.Arg440= (NM_001178129.2).
Identifiers: ClinVar variation 841244 (VCV000841244.8), dbSNP rs767115234, ClinGen allele CA456133755.